The following is an entry in ClinVar:

NM_005560.6(LAMA5):c.1520G>A (p.Arg507Gln)

Gene: LAMA5 (laminin subunit alpha 5; minus strand). Cytogenetic location: 20q13.33.
Variant type: single nucleotide variant.
Coding change: c.1520G>A on transcript NM_005560.6 (MANE Select); coding-DNA position 1520, G replaced by A.
Protein change: p.Arg507Gln; replaces arginine 507 with glutamine.
Molecular consequence: missense variant.
Genome position (GRCh38, 1-based): chr20:62,338,566, C>T on the plus strand (G>A on the coding strand, the complement: LAMA5 is on the minus strand). VCF-style: chr20-62338566-C-T. GRCh37 (hg19) VCF-style: chr20-60913622-C-T.
Other names: short protein forms R507Q.
Identifiers: ClinVar variation 2652492 (VCV002652492.24), dbSNP rs374841447, ClinGen allele CA9943875.

ClinVar aggregate classification (germline): Likely benign (1 of 4 stars; one submission).

Allele frequency attached by ClinVar (database versions not stated): gnomAD 0.00007; ESP Exome Variant Server 0.00008; TOPMed 0.00008; gnomAD exomes 0.00009; ExAC 0.00012.
gnomAD v4.1: 140 of 1,611,090 alleles (0.0087%); highest among the groups gnomAD compares: South Asian, 0.031%; 2 homozygotes.

Submission:

CeGaT Center for Human Genetics Tuebingen
Classification: Likely benign. Last evaluated: 2023-09-01. Review status: criteria provided, single submitter. Criteria: CeGaT Center For Human Genetics Tuebingen Variant Classification Criteria Version 2. Collection method: clinical testing. Allele origin: germline. Affected: yes. Observed: 1 variant allele.
Comment: LAMA5: BP4